The following is an entry in ClinVar:

ClinVar aggregate classification (germline): Uncertain significance (1 of 4 stars; one submission).

gnomAD v4.1: 4 of 1,613,858 alleles (0.00025%); highest among the groups gnomAD compares: Non-Finnish European, 0.00025%; no homozygotes.

Submission:

Labcorp Genetics (formerly Invitae), Labcorp
Classification: Uncertain significance. Last evaluated: 2024-02-20. Review status: criteria provided, single submitter. Criteria: Invitae Variant Classification Sherloc (09022015). Collection method: clinical testing. Allele origin: germline.
Comment: This sequence change replaces arginine, which is basic and polar, with histidine, which is basic and polar, at codon 947 of the WHSC1 protein (p.Arg947His). This variant is present in population databases (no rsID available, gnomAD 0.0009%). This variant has not been reported in the literature in individuals affected with WHSC1-related conditions. Advanced modeling of protein sequence and biophysical properties (such as structural, functional, and spatial information, amino acid conservation, physicochemical variation, residue mobility, and thermodynamic stability) has been performed at Invitae for this missense variant, however the output from this modeling did not meet the statistical confidence thresholds required to predict the impact of this variant on WHSC1 protein function. In summary, the available evidence is currently insufficient to determine the role of this variant in disease. Therefore, it has been classified as a Variant of Uncertain Significance.

NM_001042424.3(NSD2):c.2840G>A (p.Arg947His)

Gene: NSD2 (nuclear receptor binding SET domain protein 2; plus strand). Cytogenetic location: 4p16.3.
Variant type: single nucleotide variant.
Coding change: c.2840G>A on transcript NM_001042424.3 (MANE Select); coding-DNA position 2840, G replaced by A.
Protein change: p.Arg947His; replaces arginine 947 with histidine.
Molecular consequence: missense variant.
Genome position (GRCh38, 1-based): chr4:1,956,147, G>A. VCF-style: chr4-1956147-G-A. GRCh37 (hg19) VCF-style: chr4-1957874-G-A.
Other names: c.2840G>A, p.Arg947His (NM_133330.3, NM_133331.3, NM_133335.4); short protein forms R947H.
Identifiers: ClinVar variation 3617301 (VCV003617301.2).